The following is an entry in ClinVar:

NM_177438.3(DICER1):c.4726G>T (p.Glu1576Ter)

Gene: DICER1 (dicer 1, ribonuclease III; minus strand). Cytogenetic location: 14q32.13.
Variant type: single nucleotide variant.
Coding change: c.4726G>T on transcript NM_177438.3 (MANE Select); coding-DNA position 4726, G replaced by T.
Protein change: p.Glu1576Ter; replaces glutamic acid 1576 with a stop codon.
Molecular consequence: nonsense. On other transcripts: non-coding transcript variant (6).
Genome position (GRCh38, 1-based): chr14:95,096,194, C>A on the plus strand (G>T on the coding strand, the complement: DICER1 is on the minus strand). VCF-style: chr14-95096194-C-A. GRCh37 (hg19) VCF-style: chr14-95562531-C-A.
Other names: c.4726G>T, p.Glu1576Ter (NM_001195573.1, NM_001271282.3, NM_001291628.2 and 13 more transcripts); c.4444G>T, p.Glu1482Ter (NM_001395686.1); c.4321G>T, p.Glu1441Ter (NM_001395687.1, NM_001395688.1, NM_001395689.1 and 2 more transcripts); c.4159G>T, p.Glu1387Ter (NM_001395691.1); c.3043G>T, p.Glu1015Ter (NM_001395697.1); short protein forms E1387*, E1441*, E1015*, E1482*, E1576*.
Identifiers: ClinVar variation 2864168 (VCV002864168.3), dbSNP rs2139844761, ClinGen allele CA390867429.

ClinVar aggregate classification (germline): Pathogenic (1 of 4 stars; one submission).

Conditions:
DICER1-related tumor predisposition. Also called: DICER1-related pleuropulmonary blastoma cancer predisposition syndrome; DICER1 syndrome. Identifiers: Orphanet 284343, MedGen C3839822, MONDO:0100216.

Submission:

Labcorp Genetics (formerly Invitae), Labcorp
Classification: Pathogenic for DICER1-related tumor predisposition. Last evaluated: 2023-05-14. Review status: criteria provided, single submitter. Criteria: Invitae Variant Classification Sherloc (09022015). Collection method: clinical testing. Allele origin: germline.
Comment: For these reasons, this variant has been classified as Pathogenic. This variant has not been reported in the literature in individuals affected with DICER1-related conditions. This variant is not present in population databases (gnomAD no frequency). This sequence change creates a premature translational stop signal (p.Glu1576*) in the DICER1 gene. It is expected to result in an absent or disrupted protein product. Loss-of-function variants in DICER1 are known to be pathogenic (PMID: 19556464, 21266384).

Literature cited by the submitters: PubMed 19556464; PubMed 21266384.